The following is an entry in ClinVar:

ClinVar aggregate classification (germline): Uncertain significance. Review status: criteria provided, multiple submitters, no conflicts (2 of 4 stars). 2 submissions from 2 submitters: Uncertain significance (2). Last evaluated 2026-01-05.

Conditions:
Retinitis pigmentosa 59 (RP59). Identifiers: Orphanet 791, MedGen C3151227, MONDO:0013468, OMIM 613861.
Developmental delay and seizures with or without movement abnormalities. Identifiers: MedGen C4693376, MONDO:0044326, OMIM 617836.

Allele frequency attached by ClinVar (database versions not stated): ExAC 0.00001; gnomAD exomes 0.00001.

Submissions (2):

Labcorp Genetics (formerly Invitae), Labcorp
Classification: Uncertain significance for Retinitis pigmentosa 59. Last evaluated: 2026-01-05. Review status: criteria provided, single submitter. Criteria: Invitae Variant Classification Sherloc (09022015). Collection method: clinical testing. Allele origin: germline.
Comment: This sequence change replaces arginine, which is basic and polar, with tryptophan, which is neutral and slightly polar, at codon 47 of the DHDDS protein (p.Arg47Trp). This variant is present in population databases (rs750366746, gnomAD 0.004%). This variant has not been reported in the literature in individuals affected with DHDDS-related conditions. ClinVar contains an entry for this variant (Variation ID: 1422551). Invitae Evidence Modeling of protein sequence and biophysical properties (such as structural, functional, and spatial information, amino acid conservation, physicochemical variation, residue mobility, and thermodynamic stability) indicates that this missense variant is not expected to disrupt DHDDS protein function with a negative predictive value of 80%. In summary, the available evidence is currently insufficient to determine the role of this variant in disease. Therefore, it has been classified as a Variant of Uncertain Significance.

Fulgent Genetics
Classification: Uncertain significance for Retinitis pigmentosa 59; Developmental delay and seizures with or without movement abnormalities. Last evaluated: 2021-07-03. Review status: criteria provided, single submitter. Criteria: ACMG Guidelines, 2015. Collection method: clinical testing. Allele origin: unknown.

NM_205861.3(DHDDS):c.139C>T (p.Arg47Trp)

Gene: DHDDS (dehydrodolichyl diphosphate synthase subunit; plus strand). Cytogenetic location: 1p36.11.
Variant type: single nucleotide variant.
Coding change: c.139C>T on transcript NM_205861.3 (MANE Select); coding-DNA position 139, C replaced by T.
Protein change: p.Arg47Trp; replaces arginine 47 with tryptophan.
Molecular consequence: missense variant. On other transcripts: 5 prime UTR variant (1).
Genome position (GRCh38, 1-based): chr1:26,438,243, C>T. VCF-style: chr1-26438243-C-T. GRCh37 (hg19) VCF-style: chr1-26764734-C-T.
Other names: c.139C>T, p.Arg47Trp (NM_001243564.2, NM_001243565.2, NM_024887.4); c.-164C>T (NM_001319959.2); short protein forms R47W.
Identifiers: ClinVar variation 1422551 (VCV001422551.8), dbSNP rs750366746, ClinGen allele CA705246.